The following is an entry in ClinVar:

ClinVar aggregate classification (germline): Uncertain significance (1 of 4 stars; one submission).

Conditions:
Cardiovascular phenotype. Identifiers: MedGen CN230736.

Allele frequency attached by ClinVar (database versions not stated): gnomAD 0.00001.
gnomAD v4.1: 3 of 1,613,474 alleles (0.00019%); highest among the groups gnomAD compares: Non-Finnish European, 0.00025%; no homozygotes.

Submission:

Ambry Genetics
Classification: Uncertain significance for Cardiovascular phenotype. Last evaluated: 2023-02-17. Review status: criteria provided, single submitter. Criteria: Ambry Variant Classification Scheme 2023. Collection method: clinical testing. Allele origin: germline.
Comment: The p.P4R variant (also known as c.11C>G), located in coding exon 1 of the SCN10A gene, results from a C to G substitution at nucleotide position 11. The proline at codon 4 is replaced by arginine, an amino acid with dissimilar properties. This amino acid position is not well conserved in available vertebrate species. In addition, the in silico prediction for this alteration is inconclusive. Since supporting evidence is limited at this time, the clinical significance of this alteration remains unclear.

NM_006514.4(SCN10A):c.11C>G (p.Pro4Arg)

Gene: SCN10A (sodium voltage-gated channel alpha subunit 10; minus strand). Cytogenetic location: 3p22.2.
Variant type: single nucleotide variant.
Coding change: c.11C>G on transcript NM_006514.4 (MANE Select); coding-DNA position 11, C replaced by G.
Protein change: p.Pro4Arg; replaces proline 4 with arginine.
Molecular consequence: missense variant.
Genome position (GRCh38, 1-based): chr3:38,794,000, G>C on the plus strand (C>G on the coding strand, the complement: SCN10A is on the minus strand). VCF-style: chr3-38794000-G-C. GRCh37 (hg19) VCF-style: chr3-38835491-G-C.
Other names: c.11C>G, p.Pro4Arg (NM_001293306.2, NM_001293307.2); short protein forms P4R.
Identifiers: ClinVar variation 1747041 (VCV001747041.3), dbSNP rs781089009, ClinGen allele CA352163558.